The following is an entry in ClinVar:

NM_003242.6(TGFBR2):c.1228G>A (p.Val410Met)

Gene: TGFBR2 (transforming growth factor beta receptor 2; plus strand). Cytogenetic location: 3p24.1.
Variant type: single nucleotide variant.
Coding change: c.1228G>A on transcript NM_003242.6 (MANE Select); coding-DNA position 1228, G replaced by A.
Protein change: p.Val410Met; replaces valine 410 with methionine.
Molecular consequence: missense variant. On other transcripts: intron variant (1).
Genome position (GRCh38, 1-based): chr3:30,672,411, G>A. VCF-style: chr3-30672411-G-A. GRCh37 (hg19) VCF-style: chr3-30713903-G-A.
Other names: c.1123G>A, p.Val375Met (NM_001407134.1, NM_001407135.1, NM_001407136.1 and 2 more transcripts); c.943G>A, p.Val315Met (NM_001407137.1); c.868G>A, p.Val290Met (NM_001407138.1); c.530-15976G>A (NM_001407139.1); c.1303G>A, p.Val435Met (NM_001024847.3); c.1411G>A, p.Val471Met (NM_001407126.1); c.1336G>A, p.Val446Met (NM_001407127.1); c.1255G>A, p.Val419Met (NM_001407128.1); and 2 more; short protein forms V375M, V419M, V410M, V435M, V411M, V446M, V471M, V290M.
Identifiers: ClinVar variation 2774580 (VCV002774580.2), dbSNP rs2125437029, ClinGen allele CA351808797.

ClinVar aggregate classification (germline): Uncertain significance (1 of 4 stars; one submission).

Conditions:
Familial thoracic aortic aneurysm and aortic dissection (TAAD). Also called: Thoracic aortic aneurysms and dissections. Identifiers: Orphanet 91387, MedGen C4707243, MONDO:0019625.

Submission:

Color Diagnostics, LLC DBA Color Health
Classification: Uncertain significance for Familial thoracic aortic aneurysm and aortic dissection. Last evaluated: 2023-09-05. Review status: criteria provided, single submitter. Criteria: ACMG Guidelines, 2015. Collection method: clinical testing. Allele origin: germline.
Comment: This missense variant replaces valine with methionine at codon 410 of the TGFBR2 protein. Computational prediction suggests that this variant may not impact protein structure and function (internally defined REVEL score threshold <= 0.5, PMID: 27666373). To our knowledge, functional studies have not been reported for this variant. This variant has not been reported in individuals affected with TGFBR2-related disorders in the literature. This variant has not been identified in the general population by the Genome Aggregation Database (gnomAD). The available evidence is insufficient to determine the role of this variant in disease conclusively. Therefore, this variant is classified as a Variant of Uncertain Significance.